The following is an entry in ClinVar:

NM_001458.5(FLNC):c.2382G>A (p.Ala794=)

Gene: FLNC (filamin C; plus strand). Cytogenetic location: 7q32.1.
Variant type: single nucleotide variant.
Coding change: c.2382G>A on transcript NM_001458.5 (MANE Select); coding-DNA position 2382, G replaced by A.
Protein change: p.Ala794=; no amino-acid change (alanine 794 retained).
Molecular consequence: synonymous variant.
Genome position (GRCh38, 1-based): chr7:128,842,691, G>A. VCF-style: chr7-128842691-G-A. GRCh37 (hg19) VCF-style: chr7-128482745-G-A.
Other names: p.Ala794=; c.2382G>A, p.Ala794= (NM_001127487.2).
Identifiers: ClinVar variation 472007 (VCV000472007.19), dbSNP rs536456072, ClinGen allele CA4474693.

ClinVar aggregate classification (germline): Benign/Likely benign. Review status: criteria provided, multiple submitters, no conflicts (2 of 4 stars). 7 submissions from 7 submitters: Benign (3); Likely benign (4). Last evaluated 2026-02-01.

Conditions:
Cardiovascular phenotype. Identifiers: MedGen CN230736.
Myofibrillar myopathy 5. Also called: FILAMINOPATHY, AUTOSOMAL DOMINANT; Filaminopathy (type). Identifiers: Orphanet 171445, MedGen C1836050, MONDO:0012289, OMIM 609524.
Distal myopathy with posterior leg and anterior hand involvement. Also called: WILLIAMS DISTAL MYOPATHY. Identifiers: Orphanet 63273, MedGen C3279722, MONDO:0013550, OMIM 614065.
Hypertrophic cardiomyopathy 26. Also called: Cardiomyopathy, familial hypertrophic, 26. Identifiers: Orphanet 75249, MedGen C4310749, MONDO:0014883, OMIM 617047.

Allele frequency attached by ClinVar (database versions not stated): gnomAD 0.00006 and 0.00010; TOPMed 0.00017; ExAC 0.00034; gnomAD exomes 0.00037; 1000 Genomes Project 30x 0.00062; 1000 Genomes Project 0.00080.
gnomAD v4.1: 153 of 1,556,234 alleles (0.0098%); highest among the groups gnomAD compares: East Asian, 0.26%; no homozygotes.

Submissions (7):

Labcorp Genetics (formerly Invitae), Labcorp
Classification: Likely benign for Distal myopathy with posterior leg and anterior hand involvement; Myofibrillar myopathy 5; Hypertrophic cardiomyopathy 26. Last evaluated: 2026-02-01. Review status: criteria provided, single submitter. Criteria: Invitae Variant Classification Sherloc (09022015). Collection method: clinical testing. Allele origin: germline.

Mayo Clinic Laboratories, Mayo Clinic
Classification: Likely benign. Last evaluated: 2025-04-18. Review status: criteria provided, single submitter. Criteria: ACMG Guidelines, 2015. Collection method: clinical testing. Allele origin: germline. Observed: 1 variant allele.
Comment: BS1, BP4, BP7

Molecular Diagnostic Laboratory for Inherited Cardiovascular Disease, Montreal Heart Institute
Classification: Benign. Last evaluated: 2025-04-09. Review status: criteria provided, single submitter. Criteria: ACMG Guidelines, 2015. Collection method: clinical testing. Allele origin: germline. Affected: no.
Comment: BS1;BP6;BP7

Blueprint Genetics
Classification: Likely benign. Last evaluated: 2024-11-22. Review status: criteria provided, single submitter. Criteria: ACMG Guidelines, 2015. Collection method: clinical testing. Allele origin: germline.

Ambry Genetics
Classification: Likely benign for Cardiovascular phenotype. Last evaluated: 2020-08-21. Review status: criteria provided, single submitter. Criteria: Ambry Variant Classification Scheme 2023. Collection method: clinical testing. Allele origin: germline.

GeneDx
Classification: Benign. Last evaluated: 2020-07-14. Review status: criteria provided, single submitter. Criteria: GeneDx Variant Classification Process June 2021. Collection method: clinical testing. Allele origin: germline. Affected: yes.

Athena Diagnostics
Classification: Benign. Last evaluated: 2018-03-29. Review status: criteria provided, single submitter. Criteria: Athena Diagnostics Criteria. Collection method: clinical testing. Allele origin: germline.